The following is an entry in ClinVar:

ClinVar aggregate classification (germline): Uncertain significance (1 of 4 stars; one submission).

Conditions:
Hereditary cancer-predisposing syndrome. Also called: Tumor predisposition; Hereditary neoplastic syndrome; Hereditary Cancer Syndrome; Neoplastic Syndromes, Hereditary. Identifiers: Orphanet 140162, MedGen C0027672, MeSH D009386, MONDO:0015356.

Submission:

Ambry Genetics
Classification: Uncertain significance for Hereditary cancer-predisposing syndrome. Last evaluated: 2023-11-14. Review status: criteria provided, single submitter. Criteria: Ambry Variant Classification Scheme 2023. Collection method: clinical testing. Allele origin: germline.
Comment: The p.R524P variant (also known as c.1571G>C), located in coding exon 11 of the CDH1 gene, results from a G to C substitution at nucleotide position 1571. The arginine at codon 524 is replaced by proline, an amino acid with dissimilar properties. This amino acid position is conserved. In addition, the in silico prediction for this alteration is inconclusive. Since supporting evidence is limited at this time, the clinical significance of this alteration remains unclear.

NM_004360.5(CDH1):c.1571G>C (p.Arg524Pro)

Gene: CDH1 (cadherin 1; plus strand). Cytogenetic location: 16q22.1.
Variant type: single nucleotide variant.
Coding change: c.1571G>C on transcript NM_004360.5 (MANE Select); coding-DNA position 1571, G replaced by C.
Protein change: p.Arg524Pro; replaces arginine 524 with proline.
Molecular consequence: missense variant. On other transcripts: intron variant (1).
Genome position (GRCh38, 1-based): chr16:68,819,285, G>C. VCF-style: chr16-68819285-G-C. GRCh37 (hg19) VCF-style: chr16-68853188-G-C.
Other names: c.1388G>C, p.Arg463Pro (NM_001317184.2); c.23G>C, p.Arg8Pro (NM_001317185.2); c.-254-2716G>C (NM_001317186.2); short protein forms R463P, R524P, R8P.
Identifiers: ClinVar variation 3224150 (VCV003224150.1), dbSNP rs761180883, ClinGen allele CA396464818.